The following is an entry in ClinVar:

ClinVar aggregate classification (germline): Uncertain significance (1 of 4 stars; one submission).

Conditions:
Intellectual developmental disorder, X-linked 93. Also called: MENTAL RETARDATION, X-LINKED, WITH MACROCEPHALY; Intellectual disability, X-linked 93. Identifiers: MedGen C1970841, MONDO:0010393, OMIM 300659.

gnomAD v4.1: 5 of 1,206,422 alleles (0.00041%); highest among the groups gnomAD compares: Non-Finnish European, 0.00056%; no homozygotes.

Submission:

Pittsburgh Clinical Genomics Laboratory, University of Pittsburgh Medical Center
Classification: Uncertain significance for Intellectual developmental disorder, X-linked 93. Last evaluated: 2024-02-05. Review status: criteria provided, single submitter. Criteria: ACMG Guidelines, 2015. Collection method: clinical testing. Allele origin: germline. Inheritance: X-linked recessive inheritance. Affected: yes.
Comment: This sequence variant is a single nucleotide substitution (C>T) at position 2803 of the coding sequence of the BRWD3 gene that results in an arginine to cysteine amino acid change at residue 935 of the bromodomain and WD repeat domain containing 3 protein. This variant is absent from ClinVar has not been observed in an individual affected by a BRWD3-related disorder in the published literature, to our knowledge. This variant is present in 5 of 1,093,318 alleles (0.0005%) in the gnomAD v4.0.0 population dataset. Multiple bioinformatic tools predict that this amino acid change would be damaging, and the Arg935 residue at this position is highly conserved across the vertebrate species examined. Studies examining the functional consequence of this variant have not been published, to our knowledge. At this time, there is insufficient evidence to determine if this variant is pathogenic or benign. Therefore, we consider this a variant of uncertain significance. ACMG Criteria: PM2, PP3

NM_153252.5(BRWD3):c.2803C>T (p.Arg935Cys)

Gene: BRWD3 (bromodomain and WD repeat domain containing 3; minus strand). Cytogenetic location: Xq21.1.
Variant type: single nucleotide variant.
Coding change: c.2803C>T on transcript NM_153252.5 (MANE Select); coding-DNA position 2803, C replaced by T.
Protein change: p.Arg935Cys; replaces arginine 935 with cysteine.
Molecular consequence: missense variant.
Genome position (GRCh38, 1-based): chrX:80,703,512, G>A on the plus strand (C>T on the coding strand, the complement: BRWD3 is on the minus strand). VCF-style: chrX-80703512-G-A. GRCh37 (hg19) VCF-style: chrX-79959011-G-A.
Other names: short protein forms R935C.
Identifiers: ClinVar variation 3376367 (VCV003376367.1).